The following is an entry in ClinVar:

NM_201596.3(CACNB2):c.400C>G (p.Pro134Ala)

Gene: CACNB2 (calcium voltage-gated channel auxiliary subunit beta 2; plus strand). Cytogenetic location: 10p12.31.
Variant type: single nucleotide variant.
Coding change: c.400C>G on transcript NM_201596.3 (MANE Select); coding-DNA position 400, C replaced by G.
Protein change: p.Pro134Ala; replaces proline 134 with alanine.
Molecular consequence: missense variant.
Genome position (GRCh38, 1-based): chr10:18,498,421, C>G. VCF-style: chr10-18498421-C-G. GRCh37 (hg19) VCF-style: chr10-18787350-C-G.
Other names: c.235C>G, p.Pro79Ala (NM_000724.4, NM_001330060.2); c.316C>G, p.Pro106Ala (NM_001167945.2, NM_201571.4, NM_201572.4); c.256C>G, p.Pro86Ala (NM_001410882.1, NM_201570.3); c.238C>G, p.Pro80Ala (NM_201590.3); c.400C>G, p.Pro134Ala (NM_201593.3, NM_201597.3); short protein forms P79A, P106A, P134A, P80A, P86A.
Identifiers: ClinVar variation 2899847 (VCV002899847.4), dbSNP rs779816413, ClinGen allele CA5429608.

ClinVar aggregate classification (germline): Uncertain significance. Review status: criteria provided, multiple submitters, no conflicts (2 of 4 stars). 2 submissions from 2 submitters: Uncertain significance (2). Last evaluated 2022-10-27.

Conditions:
Brugada syndrome 4 (BRGDA4). Identifiers: Orphanet 130, MedGen C2678477, MONDO:0012743, OMIM 611876.

Allele frequency attached by ClinVar (database versions not stated): gnomAD exomes below 0.00001; ExAC 0.00001.
gnomAD v4.1: 2 of 1,614,040 alleles (0.00012%); highest among the groups gnomAD compares: East Asian, 0.0022%; no homozygotes.

Submissions (2):

Labcorp Genetics (formerly Invitae), Labcorp
Classification: Uncertain significance for Brugada syndrome 4. Last evaluated: 2022-10-27. Review status: criteria provided, single submitter. Criteria: Invitae Variant Classification Sherloc (09022015). Collection method: clinical testing. Allele origin: germline.
Comment: This sequence change replaces proline, which is neutral and non-polar, with alanine, which is neutral and non-polar, at codon 80 of the CACNB2 protein (p.Pro80Ala). This variant is present in population databases (rs779816413, gnomAD 0.006%). This variant has not been reported in the literature in individuals affected with CACNB2-related conditions. Advanced modeling of protein sequence and biophysical properties (such as structural, functional, and spatial information, amino acid conservation, physicochemical variation, residue mobility, and thermodynamic stability) performed at Invitae indicates that this missense variant is expected to disrupt CACNB2 protein function. In summary, the available evidence is currently insufficient to determine the role of this variant in disease. Therefore, it has been classified as a Variant of Uncertain Significance.

Blueprint Genetics
Classification: Uncertain significance. Last evaluated: 2022-09-16. Review status: criteria provided, single submitter. Criteria: ACMG Guidelines, 2015. Collection method: clinical testing. Allele origin: germline.